The following is an entry in ClinVar:

ClinVar aggregate classification (germline): Uncertain significance (1 of 4 stars; one submission).

Conditions:
Hypertrophic cardiomyopathy. Also called: HYPERTROPHIC MYOCARDIOPATHY. Identifiers: Orphanet 217569, MedGen C0007194, MeSH D002312, MONDO:0005045, HP:0001639.

Submission:

Labcorp Genetics (formerly Invitae), Labcorp
Classification: Uncertain significance for Hypertrophic cardiomyopathy. Last evaluated: 2018-10-04. Review status: criteria provided, single submitter. Criteria: Invitae Variant Classification Sherloc (09022015). Collection method: clinical testing. Allele origin: germline.
Comment: This sequence change replaces isoleucine with methionine at codon 913 of the MYH7 protein (p.Ile913Met). The isoleucine residue is highly conserved and there is a small physicochemical difference between isoleucine and methionine. This variant is not present in population databases (ExAC no frequency). This variant has been observed in an individual affected with hypertrophic cardiomyopathy (PMID: 27247418). Algorithms developed to predict the effect of missense changes on protein structure and function are either unavailable or do not agree on the potential impact of this missense change (SIFT: "Deleterious"; PolyPhen-2: "Probably Damaging"; Align-GVGD: "Class C0"). This variant is found within a region of MYH7 between codons 181 and 937 that contains the majority of the myosin head domain. Missense variants in this region have been shown to be significantly overrepresented in individuals with hypertrophic cardiomyopathy (PMID: 27532257). In summary, the available evidence is currently insufficient to determine the role of this variant in disease. Therefore, it has been classified as a Variant of Uncertain Significance.

Literature cited by the submitters: PubMed 27247418; PubMed 27532257.

NM_000257.4(MYH7):c.2739T>G (p.Ile913Met)

Gene: MYH7 (myosin heavy chain 7; minus strand). Cytogenetic location: 14q11.2.
Variant type: single nucleotide variant.
Coding change: c.2739T>G on transcript NM_000257.4 (MANE Select); coding-DNA position 2739, T replaced by G.
Protein change: p.Ile913Met; replaces isoleucine 913 with methionine.
Molecular consequence: missense variant.
Genome position (GRCh38, 1-based): chr14:23,424,090, A>C on the plus strand (T>G on the coding strand, the complement: MYH7 is on the minus strand). VCF-style: chr14-23424090-A-C. GRCh37 (hg19) VCF-style: chr14-23893299-A-C.
Other names: short protein forms I913M.
Identifiers: ClinVar variation 648360 (VCV000648360.8), dbSNP rs1595081812, ClinGen allele CA389047213.
Genomic context (GRCh38, chr14:23,424,090, plus strand): 5'-ATTCATCTCCTCCTCATCCTCCAGCCTCTCGTTCATCTCCTTCACCTTGGCCTCCAGCTG[A>C]ATCTTGTTTTTGATCAGCTGATCACAGCGCTCCTCAGCATCTGCCAGGTTGTCTTGTTCC-3'
Protein context (NP_000248.2, residues 903-923): ERCDQLIKNK[Ile913Met]QLEAKVKEMN